The following is an entry in ClinVar:

ClinVar aggregate classification (germline): Pathogenic (1 of 4 stars; one submission).

Submission:

Labcorp Genetics (formerly Invitae), Labcorp
Classification: Pathogenic. Last evaluated: 2021-09-29. Review status: criteria provided, single submitter. Criteria: Invitae Variant Classification Sherloc (09022015). Collection method: clinical testing. Allele origin: germline.
Comment: For these reasons, this variant has been classified as Pathogenic. This variant disrupts the triple helix domain of COL4A5. Glycine residues within the Gly-Xaa-Yaa repeats of the triple helix domain are required for the structure and stability of fibrillar collagens (PMID: 7695699, 8218237, 19344236). In COL4A5, missense variants at these glycine residues are significantly enriched in individuals with disease (PMID: 23720012, 27627812) compared to the general population (ExAC). This variant has not been reported in the literature in individuals affected with COL4A5-related conditions. This variant is a gross deletion of the genomic region encompassing exon(s) 11-13 of the COL4A5 gene. This variant would be expected to be in-frame, preserving the integrity of the reading frame.

Literature cited by the submitters: PubMed 7695699; PubMed 8218237; PubMed 19344236; PubMed 23720012; PubMed 27627812.

NC_000023.10:g.(?_107821172)_(107821623_?)del

Gene: COL4A5 (collagen type IV alpha 5 chain; plus strand). Cytogenetic location: Xq22.3.
Variant type: Deletion.
Identifiers: ClinVar variation 1457568 (VCV001457568.4).